The following is an entry in ClinVar:

ClinVar aggregate classification (germline): Uncertain significance. Review status: criteria provided, multiple submitters, no conflicts (2 of 4 stars). 2 submissions from 2 submitters: Uncertain significance (2). Last evaluated 2025-11-24.

Conditions:
Spermatogenic failure 18. Identifiers: MedGen C4539783, MONDO:0054615, OMIM 617576.
Ciliary dyskinesia, primary, 37 (CILD37). Also called: CILIARY DYSKINESIA, PRIMARY, 37, WITH OR WITHOUT SITUS INVERSUS. Identifiers: MedGen C4539798, MONDO:0033204, OMIM 617577.

Allele frequency attached by ClinVar (database versions not stated): TOPMed 0.00002; gnomAD exomes 0.00006; 1000 Genomes Project 0.00020; ExAC 0.00007; 1000 Genomes Project 30x 0.00016.
gnomAD v4.1: 43 of 1,609,058 alleles (0.0027%); highest among the groups gnomAD compares: Admixed American, 0.025%; no homozygotes.

Submissions (2):

Labcorp Genetics (formerly Invitae), Labcorp
Classification: Uncertain significance for Ciliary dyskinesia, primary, 37; Spermatogenic failure 18. Last evaluated: 2025-11-24. Review status: criteria provided, single submitter. Criteria: Invitae Variant Classification Sherloc (09022015). Collection method: clinical testing. Allele origin: germline.
Comment: This sequence change replaces threonine, which is neutral and polar, with methionine, which is neutral and non-polar, at codon 3298 of the DNAH1 protein (p.Thr3298Met). The frequency data for this variant in the population databases is considered unreliable, as metrics indicate poor data quality at this position in the gnomAD database. This variant has not been reported in the literature in individuals affected with DNAH1-related conditions. ClinVar contains an entry for this variant (Variation ID: 578116). An algorithm developed to predict the effect of missense changes on protein structure and function (PolyPhen-2) suggests that this variant is likely to be disruptive. In summary, the available evidence is currently insufficient to determine the role of this variant in disease. Therefore, it has been classified as a Variant of Uncertain Significance.

GeneDx
Classification: Uncertain significance. Last evaluated: 2022-05-25. Review status: criteria provided, single submitter. Criteria: GeneDx Variant Classification Process June 2021. Collection method: clinical testing. Allele origin: germline. Affected: yes.
Comment: In silico analysis supports that this missense variant has a deleterious effect on protein structure/function; Has not been previously published as pathogenic or benign to our knowledge

NM_015512.5(DNAH1):c.9893C>T (p.Thr3298Met)

Gene: DNAH1 (dynein axonemal heavy chain 1; plus strand). Cytogenetic location: 3p21.1.
Variant type: single nucleotide variant.
Coding change: c.9893C>T on transcript NM_015512.5 (MANE Select); coding-DNA position 9893, C replaced by T.
Protein change: p.Thr3298Met; replaces threonine 3298 with methionine.
Molecular consequence: missense variant.
Genome position (GRCh38, 1-based): chr3:52,391,444, C>T. VCF-style: chr3-52391444-C-T. GRCh37 (hg19) VCF-style: chr3-52425460-C-T.
Other names: short protein forms T3298M.
Identifiers: ClinVar variation 578116 (VCV000578116.7), dbSNP rs558196088, ClinGen allele CA2435652.
Genomic context (GRCh38, chr3:52,391,444, plus strand): 5'-TTCCCCTGCCCCACTGGTGATGCTCAGGCCACAGTACCCACCGGTCCCACCCACCACAGA[C>T]GTACAAGCAGCAGGGAAACACGGTGCTGAAGCTGGGGGACACGGTGATCCCCTACCATGA-3'
Protein context (NP_056327.4, residues 3288-3308): PALEPVLLKQ[Thr3298Met]YKQQGNTVLK